The following is an entry in ClinVar:

ClinVar aggregate classification (germline): Uncertain significance (1 of 4 stars; one submission).

Conditions:
Reticular dysgenesis. Also called: DeVaal disease; ALEUKOCYTOSIS; CONGENITAL ALEUKIA; HEMATOPOIETIC HYPOPLASIA, GENERALIZED; RETICULAR DYSGENESIA; SEVERE COMBINED IMMUNODEFICIENCY WITH LEUKOPENIA. Identifiers: Orphanet 33355, MedGen C0272167, MONDO:0009973, OMIM 267500.

gnomAD v4.1: 1 of 1,612,926 alleles (0.000062%); highest among the groups gnomAD compares: Non-Finnish European, 0.000085%; no homozygotes.

Submission:

Labcorp Genetics (formerly Invitae), Labcorp
Classification: Uncertain significance for Reticular dysgenesis. Last evaluated: 2021-12-03. Review status: criteria provided, single submitter. Criteria: Invitae Variant Classification Sherloc (09022015). Collection method: clinical testing. Allele origin: germline.
Comment: In summary, the available evidence is currently insufficient to determine the role of this variant in disease. Therefore, it has been classified as a Variant of Uncertain Significance. Algorithms developed to predict the effect of missense changes on protein structure and function are either unavailable or do not agree on the potential impact of this missense change (SIFT: "Deleterious"; PolyPhen-2: "Benign"; Align-GVGD: "Class C45"). This variant has not been reported in the literature in individuals affected with AK2-related conditions. This variant is not present in population databases (gnomAD no frequency). This sequence change replaces serine, which is neutral and polar, with asparagine, which is neutral and polar, at codon 75 of the AK2 protein (p.Ser75Asn).

NM_001625.4(AK2):c.224G>A (p.Ser75Asn)

Gene: AK2 (adenylate kinase 2; minus strand). Cytogenetic location: 1p35.1.
Variant type: single nucleotide variant.
Coding change: c.224G>A on transcript NM_001625.4 (MANE Select); coding-DNA position 224, G replaced by A.
Protein change: p.Ser75Asn; replaces serine 75 with asparagine.
Molecular consequence: missense variant. On other transcripts: non-coding transcript variant (1).
Genome position (GRCh38, 1-based): chr1:33,021,699, C>T on the plus strand (G>A on the coding strand, the complement: AK2 is on the minus strand). VCF-style: chr1-33021699-C-T. GRCh37 (hg19) VCF-style: chr1-33487300-C-T.
Other names: c.224G>A, p.Ser75Asn (NM_001199199.3, NM_001319141.3, NM_001319143.2 and 1 more transcripts); c.80G>A, p.Ser27Asn (NM_001319139.3, NM_001319140.2); c.98G>A, p.Ser33Asn (NM_001319142.3); short protein forms S75N, S27N, S33N.
Identifiers: ClinVar variation 1391420 (VCV001391420.8), dbSNP rs140838488, ClinGen allele CA339702448.